The following is an entry in ClinVar:

ClinVar aggregate classification (germline): Conflicting classifications of pathogenicity. Review status: criteria provided, conflicting classifications (1 of 4 stars). 8 submissions from 8 submitters: Uncertain significance (1); Benign (2); Likely benign (3). 2 of the submissions do not count toward it. Last evaluated 2026-01-31.

Conditions:
Finnish congenital nephrotic syndrome (NPHS1). Also called: NEPHROTIC SYNDROME, TYPE 1. Identifiers: Orphanet 839, MedGen C0403399, MONDO:0009732, OMIM 256300.
Congenital nephrotic syndrome. Also called: Familial nephrotic syndrome. Identifiers: MedGen C3501848, MeSH C535761, MONDO:0002350, HP:0008677.

Allele frequency attached by ClinVar (database versions not stated): gnomAD exomes 0.00041 and 0.00094; ExAC 0.00183; ESP Exome Variant Server 0.00369; gnomAD 0.00436 and 0.00456; TOPMed 0.00509; 1000 Genomes Project 0.00519; 1000 Genomes Project 30x 0.00640.
gnomAD v4.1: 1,267 of 1,553,412 alleles (0.082%); highest among the groups gnomAD compares: African/African-American, 1.5%; 7 homozygotes.

Submissions (8):

Labcorp Genetics (formerly Invitae), Labcorp
Classification: Benign. Last evaluated: 2026-01-31. Review status: criteria provided, single submitter. Criteria: Invitae Variant Classification Sherloc (09022015). Collection method: clinical testing. Allele origin: germline.

CeGaT Center for Human Genetics Tuebingen
Classification: Likely benign. Last evaluated: 2025-10-01. Review status: criteria provided, single submitter. Criteria: CeGaT Center For Human Genetics Tuebingen Variant Classification Criteria Version 2. Collection method: clinical testing. Allele origin: germline. Affected: yes. Observed: 1 variant allele.
Comment: NPHS1: BP4, BS1

Genome-Nilou Lab
Classification: Likely benign for Finnish congenital nephrotic syndrome. Last evaluated: 2021-05-18. Review status: criteria provided, single submitter. Criteria: ACMG Guidelines, 2015. Collection method: clinical testing. Allele origin: germline. Affected: no.

Illumina Laboratory Services, Illumina
Classification: Uncertain significance for Congenital nephrotic syndrome. Last evaluated: 2018-01-13. Review status: criteria provided, single submitter. Criteria: ICSL Variant Classification Criteria 13 December 2019. Collection method: clinical testing. Allele origin: germline.

Athena Diagnostics
Classification: Likely benign. Last evaluated: 2017-08-16. Review status: criteria provided, single submitter. Criteria: Athena Diagnostics criteria. Collection method: clinical testing. Allele origin: unknown.

PreventionGenetics, part of Exact Sciences
Classification: Benign. Review status: criteria provided, single submitter. Criteria: ACMG Guidelines, 2015. Collection method: clinical testing. Allele origin: germline.

Natera, Inc.
Classification: Benign for Finnish congenital nephrotic syndrome. Last evaluated: 2019-10-21. Review status: no assertion criteria provided. Collection method: clinical testing. Allele origin: germline. Not counted in ClinVar's aggregate classification.

Counsyl
Classification: Likely benign for Finnish congenital nephrotic syndrome. Last evaluated: 2017-09-26. Review status: no assertion criteria provided. Collection method: clinical testing. Allele origin: unknown. Not counted in ClinVar's aggregate classification.

Literature cited by the submitters: PubMed 28117080 (cited by Counsyl).

NM_004646.4(NPHS1):c.43G>C (p.Gly15Arg)

Genes: KIRREL2 (kirre like nephrin family adhesion molecule 2; plus strand), NPHS1 (NPHS1 adhesion molecule, nephrin; minus strand). Cytogenetic location: 19q13.12.
Variant type: single nucleotide variant.
Coding change: c.43G>C on transcript NM_004646.4 (MANE Select); coding-DNA position 43, G replaced by C.
Protein change: p.Gly15Arg; replaces glycine 15 with arginine.
Molecular consequence: missense variant.
Genome position (GRCh38, 1-based): chr19:35,851,795, C>G on the plus strand (G>C on the coding strand, the complement: NPHS1 is on the minus strand). VCF-style: chr19-35851795-C-G. GRCh37 (hg19) VCF-style: chr19-36342697-C-G.
Other names: short protein forms G15R.
Identifiers: ClinVar variation 259502 (VCV000259502.31), dbSNP rs73928330, ClinGen allele CA9390942.